The following is an entry in ClinVar:

NM_001005361.3(DNM2):c.1731G>C (p.Lys577Asn)

Gene: DNM2 (dynamin 2; plus strand). Cytogenetic location: 19p13.2.
Variant type: single nucleotide variant.
Coding change: c.1731G>C on transcript NM_001005361.3 (MANE Select); coding-DNA position 1731, G replaced by C.
Protein change: p.Lys577Asn; replaces lysine 577 with asparagine.
Molecular consequence: missense variant.
Genome position (GRCh38, 1-based): chr19:10,820,039, G>C. VCF-style: chr19-10820039-G-C. GRCh37 (hg19) VCF-style: chr19-10930715-G-C.
Other names: c.1731G>C, p.Lys577Asn (NM_001005360.3, NM_001190716.2); c.1719G>C, p.Lys573Asn (NM_001005362.3, NM_004945.4); short protein forms K577N, K573N.
Identifiers: ClinVar variation 571093 (VCV000571093.8), dbSNP rs35365412, ClinGen allele CA404040429.

ClinVar aggregate classification (germline): Uncertain significance (1 of 4 stars; one submission).

Conditions:
Charcot-Marie-Tooth disease dominant intermediate B (CMTDIB). Also called: CHARCOT-MARIE-TOOTH NEUROPATHY, DOMINANT INTERMEDIATE B; Charcot-Marie-Tooth disease dominant intermediate 1; CMT DI1; Charcot-Marie-Tooth disease dominant intermediate I. Identifiers: Orphanet 100044, Orphanet 228179, MedGen C1847902, MONDO:0011674, OMIM 606482.

Submission:

Labcorp Genetics (formerly Invitae), Labcorp
Classification: Uncertain significance for Charcot-Marie-Tooth disease dominant intermediate B. Last evaluated: 2024-01-30. Review status: criteria provided, single submitter. Criteria: Invitae Variant Classification Sherloc (09022015). Collection method: clinical testing. Allele origin: germline.
Comment: This sequence change replaces lysine, which is basic and polar, with asparagine, which is neutral and polar, at codon 577 of the DNM2 protein (p.Lys577Asn). This variant is not present in population databases (gnomAD no frequency). This variant has not been reported in the literature in individuals affected with DNM2-related conditions. ClinVar contains an entry for this variant (Variation ID: 571093). Advanced modeling of protein sequence and biophysical properties (such as structural, functional, and spatial information, amino acid conservation, physicochemical variation, residue mobility, and thermodynamic stability) has been performed at Invitae for this missense variant, however the output from this modeling did not meet the statistical confidence thresholds required to predict the impact of this variant on DNM2 protein function. In summary, the available evidence is currently insufficient to determine the role of this variant in disease. Therefore, it has been classified as a Variant of Uncertain Significance.